The following is an entry in ClinVar:

ClinVar aggregate classification (germline): Uncertain significance. Review status: criteria provided, single submitter (1 of 4 stars). 2 submissions from 2 submitters: Uncertain significance (1). 1 of the submissions does not count toward it. Last evaluated 2020-09-17.

Conditions:
Familial dysautonomia. Also called: FD; HSAN III. Identifiers: Orphanet 1764, MedGen C0013364, MONDO:0009131, OMIM 223900. Disease mechanism: loss of function.

Allele frequency attached by ClinVar (database versions not stated): gnomAD exomes below 0.00001.
gnomAD v4.1: 2 of 1,606,246 alleles (0.00012%); highest among the groups gnomAD compares: South Asian, 0.0022%; no homozygotes.

Submissions (2):

Labcorp Genetics (formerly Invitae), Labcorp
Classification: Uncertain significance. Last evaluated: 2020-09-17. Review status: criteria provided, single submitter. Criteria: Invitae Variant Classification Sherloc (09022015). Collection method: clinical testing. Allele origin: germline.
Comment: In summary, the available evidence is currently insufficient to determine the role of this variant in disease. Therefore, it has been classified as a Variant of Uncertain Significance. Nucleotide substitutions within the consensus splice site are a relatively common cause of aberrant splicing (PMID: 17576681, 9536098). Algorithms developed to predict the effect of sequence changes on RNA splicing suggest that this variant may disrupt the consensus splice site, but this prediction has not been confirmed by published transcriptional studies. This variant has not been reported in the literature in individuals with ELP1-related conditions. This variant is not present in population databases (ExAC no frequency). This sequence change falls in intron 27 of the ELP1 gene. It does not directly change the encoded amino acid sequence of the ELP1 protein, but it affects a nucleotide within the consensus splice site of the intron.

Natera, Inc.
Classification: Uncertain significance for Familial dysautonomia. Last evaluated: 2020-07-15. Review status: no assertion criteria provided. Collection method: clinical testing. Allele origin: germline. Not counted in ClinVar's aggregate classification.

Literature cited by the submitters: PubMed 17576681 (cited by Labcorp Genetics (formerly Invitae), Labcorp); PubMed 9536098 (cited by Labcorp Genetics (formerly Invitae), Labcorp).

NM_003640.5(ELP1):c.2958+3A>G

Gene: ELP1 (elongator acetyltransferase complex subunit 1; minus strand). Cytogenetic location: 9q31.3.
Variant type: single nucleotide variant.
Coding change: c.2958+3A>G on transcript NM_003640.5 (MANE Select); 3 bases into the intron after coding-DNA position 2958, A replaced by G.
Molecular consequence: intron variant.
Genome position (GRCh38, 1-based): chr9:108,892,983, T>C on the plus strand (A>G on the coding strand, the complement: ELP1 is on the minus strand). VCF-style: chr9-108892983-T-C. GRCh37 (hg19) VCF-style: chr9-111655263-T-C.
Other names: c.2616+3A>G (NM_001318360.2); c.1911+3A>G (NM_001330749.2).
Identifiers: ClinVar variation 1018626 (VCV001018626.7), dbSNP rs1828401309, ClinGen allele CA1871334547.
Genomic context (GRCh38, chr9:108,892,983, plus strand): 5'-CACTCCTTTCCTACTAAAGCAAAAAGCAAAACCAGGAGAGCCTCATTTTCACATACCACA[T>C]ACCTGGTACTGTTGTGAGCTTGGTGAATATAACTTCAGAGCTTCGTTATACAAGTTTTTA-3'